The following is an entry in ClinVar:

ClinVar aggregate classification (germline): Pathogenic (1 of 4 stars; one submission).

Conditions:
Cerebral cavernous malformation 3. Also called: Familial Cerebral Cavernous Malformation 3. Identifiers: Orphanet 221061, MedGen C1864040, MONDO:0011305, OMIM 603285.

Submission:

Labcorp Genetics (formerly Invitae), Labcorp
Classification: Pathogenic for Cerebral cavernous malformation 3. Last evaluated: 2020-08-04. Review status: criteria provided, single submitter. Criteria: Invitae Variant Classification Sherloc (09022015). Collection method: clinical testing. Allele origin: germline.
Comment: This sequence change affects an acceptor splice site in the last intron (intron 7) of the PDCD10 gene. While this is not anticipated to result in nonsense mediated decay, it likely alters RNA splicing and results in a disrupted protein product. This variant is not present in population databases (ExAC no frequency). For these reasons, this variant has been classified as Pathogenic. Nucleotide substitutions within the consensus splice site are a relatively common cause of aberrant splicing (PMID: 17576681, 9536098). Algorithms developed to predict the effect of sequence changes on RNA splicing suggest that this variant may disrupt the consensus splice site, but this prediction has not been confirmed by published transcriptional studies. Disruption of this splice site has been observed in individual(s) with cerebral cavernous malformations (PMID: 24689081, Invitae).

Literature cited by the submitters: PubMed 17576681; PubMed 9536098; PubMed 24689081.

NM_007217.4(PDCD10):c.558-2A>G

Gene: PDCD10 (programmed cell death 10; minus strand). Cytogenetic location: 3q26.1.
Variant type: single nucleotide variant.
Coding change: c.558-2A>G on transcript NM_007217.4 (MANE Select); the canonical splice acceptor site of the intron before coding-DNA position 558, A replaced by G.
Molecular consequence: splice acceptor variant.
Genome position (GRCh38, 1-based): chr3:167,684,391, T>C on the plus strand (A>G on the coding strand, the complement: PDCD10 is on the minus strand). VCF-style: chr3-167684391-T-C. GRCh37 (hg19) VCF-style: chr3-167402179-T-C.
Other names: c.558-2A>G (NM_145860.2, NM_145859.2).
Identifiers: ClinVar variation 1075488 (VCV001075488.9), dbSNP rs1553758385, ClinGen allele CA355153968.